The following is an entry in ClinVar:

NM_000352.6(ABCC8):c.4692G>T (p.Lys1564Asn)

Gene: ABCC8 (ATP binding cassette subfamily C member 8; minus strand). Cytogenetic location: 11p15.1.
Variant type: single nucleotide variant.
Coding change: c.4692G>T on transcript NM_000352.6 (MANE Select); coding-DNA position 4692, G replaced by T.
Protein change: p.Lys1564Asn; replaces lysine 1564 with asparagine.
Molecular consequence: missense variant. On other transcripts: non-coding transcript variant (1).
Genome position (GRCh38, 1-based): chr11:17,393,045, C>A on the plus strand (G>T on the coding strand, the complement: ABCC8 is on the minus strand). VCF-style: chr11-17393045-C-A. GRCh37 (hg19) VCF-style: chr11-17414592-C-A.
Other names: c.4695G>T, p.Lys1565Asn (NM_001287174.3); c.4758G>T, p.Lys1586Asn (NM_001351295.2); c.4692G>T, p.Lys1564Asn (NM_001351296.2); c.4689G>T, p.Lys1563Asn (NM_001351297.2); short protein forms K1563N, K1564N, K1565N, K1586N.
Identifiers: ClinVar variation 3344678 (VCV003344678.1).

ClinVar aggregate classification (germline): Uncertain significance (0 of 4 stars; one submission).

Conditions:
ABCC8-related disorder.

gnomAD v4.1: 1 of 1,614,192 alleles (0.000062%); highest among the groups gnomAD compares: East Asian, 0.0022%; no homozygotes.

Submission:

PreventionGenetics, part of Exact Sciences
Classification: Uncertain significance for ABCC8-related condition. Last evaluated: 2024-06-14. Review status: no assertion criteria provided. Collection method: clinical testing. Allele origin: germline.
Comment: The ABCC8 c.4692G>T variant is predicted to result in the amino acid substitution p.Lys1564Asn. To our knowledge, this variant has not been reported in the literature or in a large population database, indicating this variant is rare. However, a different variant affecting this amino acid has been reported as a variant of uncertain significance in a cohort of patients who underwent testing for dyslipidemia (p.Lys1564Glu, Dron et al. 2020. PubMed ID: 32041611). At this time, the clinical significance of the c.4692G>T variant is uncertain due to the absence of conclusive functional and genetic evidence.